The following is an entry in ClinVar:

NM_001278182.2(EOMES):c.609C>T (p.Pro203=)

Gene: EOMES (eomesodermin; minus strand). Cytogenetic location: 3p24.1.
Variant type: single nucleotide variant.
Coding change: c.609C>T on transcript NM_001278182.2 (MANE Select); coding-DNA position 609, C replaced by T.
Protein change: p.Pro203=; no amino-acid change (proline 203 retained).
Molecular consequence: synonymous variant. On other transcripts: intron variant (1).
Genome position (GRCh38, 1-based): chr3:27,721,686, G>A on the plus strand (C>T on the coding strand, the complement: EOMES is on the minus strand). VCF-style: chr3-27721686-G-A. GRCh37 (hg19) VCF-style: chr3-27763177-G-A.
Other names: c.609C>T, p.Pro203= (NM_005442.4); c.-5+744C>T (NM_001278183.2).
Identifiers: ClinVar variation 3046443 (VCV003046443.2), dbSNP rs561570432, ClinGen allele CA2292744.

ClinVar aggregate classification (germline): Likely benign (0 of 4 stars; one submission).

Conditions:
EOMES-related disorder. Also called: EOMES-related condition.

Allele frequency attached by ClinVar (database versions not stated): ExAC 0.00027; TOPMed 0.00031; gnomAD 0.00042; 1000 Genomes Project 0.00060; 1000 Genomes Project 30x 0.00062.
gnomAD v4.1: 965 of 1,518,850 alleles (0.064%); highest among the groups gnomAD compares: Non-Finnish European, 0.079%; 1 homozygote.

Submission:

PreventionGenetics, part of Exact Sciences
Classification: Likely benign for EOMES-related condition. Last evaluated: 2022-07-20. Review status: no assertion criteria provided. Collection method: clinical testing. Allele origin: germline.
Comment: This variant is classified as likely benign based on ACMG/AMP sequence variant interpretation guidelines (Richards et al. 2015 PMID: 25741868, with internal and published modifications).